The following is an entry in ClinVar:

NM_003072.5(SMARCA4):c.4171-1860T>G

Gene: SMARCA4 (SWI/SNF related BAF chromatin remodeling complex subunit ATPase 4; plus strand). Cytogenetic location: 19p13.2.
Variant type: single nucleotide variant.
Coding change: c.4171-1860T>G on transcript NM_003072.5 (MANE Select); 1860 bases into the intron before coding-DNA position 4171, T replaced by G.
Molecular consequence: intron variant.
Genome position (GRCh38, 1-based): chr19:11,039,447, T>G. VCF-style: chr19-11039447-T-G. GRCh37 (hg19) VCF-style: chr19-11150123-T-G.
Other names: c.4171-1860T>G (NM_001128844.3); c.4171-11T>G (NM_001128849.3, NM_001387283.1); c.4072-1860T>G (NM_001128847.4, NM_001374457.1, NM_001128848.2); c.4072-1851T>G (NM_001128845.2, NM_001128846.2).
Identifiers: ClinVar variation 2125819 (VCV002125819.4), dbSNP rs2146774798, ClinGen allele CA2580096457.

ClinVar aggregate classification (germline): Uncertain significance (1 of 4 stars; one submission).

Conditions:
Rhabdoid tumor predisposition syndrome 2 (RTPS2). Identifiers: Orphanet 231108, Orphanet 69077, MedGen C2750074, MONDO:0013224, OMIM 613325.

Submission:

Labcorp Genetics (formerly Invitae), Labcorp
Classification: Uncertain significance for Rhabdoid tumor predisposition syndrome 2. Last evaluated: 2022-04-13. Review status: criteria provided, single submitter. Criteria: Invitae Variant Classification Sherloc (09022015). Collection method: clinical testing. Allele origin: germline.
Comment: This variant has not been reported in the literature in individuals affected with SMARCA4-related conditions. Algorithms developed to predict the effect of sequence changes on RNA splicing suggest that this variant may disrupt the consensus splice site. In summary, the available evidence is currently insufficient to determine the role of this variant in disease. Therefore, it has been classified as a Variant of Uncertain Significance. This sequence change falls in intron 29 of the SMARCA4 gene. It does not directly change the encoded amino acid sequence of the SMARCA4 protein. This variant is not present in population databases (gnomAD no frequency).